The following is an entry in ClinVar:

ClinVar aggregate classification (germline): Uncertain significance (1 of 4 stars; one submission).

Allele frequency attached by ClinVar (database versions not stated): gnomAD exomes below 0.00001; TOPMed below 0.00001; ExAC 0.00001.

Submission:

Labcorp Genetics (formerly Invitae), Labcorp
Classification: Uncertain significance. Last evaluated: 2021-03-25. Review status: criteria provided, single submitter. Criteria: Invitae Variant Classification Sherloc (09022015). Collection method: clinical testing. Allele origin: germline.
Comment: In summary, the available evidence is currently insufficient to determine the role of this variant in disease. Therefore, it has been classified as a Variant of Uncertain Significance. Algorithms developed to predict the effect of missense changes on protein structure and function are either unavailable or do not agree on the potential impact of this missense change (SIFT: "Deleterious"; PolyPhen-2: "Benign"; Align-GVGD: "Class C0"). This variant has not been reported in the literature in individuals with SPEG-related conditions. This variant is present in population databases (rs766740847, ExAC 0.01%). This sequence change replaces threonine with isoleucine at codon 1907 of the SPEG protein (p.Thr1907Ile). The threonine residue is weakly conserved and there is a moderate physicochemical difference between threonine and isoleucine.

NM_005876.5(SPEG):c.5720C>T (p.Thr1907Ile)

Genes: ASIC4-AS1 (ASIC4 antisense RNA 1; minus strand), SPEG (striated muscle enriched protein kinase; plus strand). Cytogenetic location: 2q35.
Variant type: single nucleotide variant.
Coding change: c.5720C>T on transcript NM_005876.5 (MANE Select); coding-DNA position 5720, C replaced by T.
Protein change: p.Thr1907Ile; replaces threonine 1907 with isoleucine.
Molecular consequence: missense variant.
Genome position (GRCh38, 1-based): chr2:219,483,183, C>T. VCF-style: chr2-219483183-C-T. GRCh37 (hg19) VCF-style: chr2-220347905-C-T.
Other names: short protein forms T1907I.
Identifiers: ClinVar variation 1519504 (VCV001519504.8), dbSNP rs766740847, ClinGen allele CA2126937.